The following is an entry in ClinVar:

NM_030813.6(CLPB):c.679A>G (p.Thr227Ala)

Gene: CLPB (ClpB family mitochondrial disaggregase; minus strand). Cytogenetic location: 11q13.4.
Variant type: single nucleotide variant.
Coding change: c.679A>G on transcript NM_030813.6 (MANE Plus Clinical); coding-DNA position 679, A replaced by G.
Protein change: p.Thr227Ala; replaces threonine 227 with alanine.
Molecular consequence: missense variant. On other transcripts: intron variant (2).
Genome position (GRCh38, 1-based): chr11:72,372,982, T>C on the plus strand (A>G on the coding strand, the complement: CLPB is on the minus strand). VCF-style: chr11-72372982-T-C. GRCh37 (hg19) VCF-style: chr11-72084026-T-C.
Other names: c.544A>G, p.Thr182Ala (NM_001258394.3); c.559+7299A>G (NM_001258393.3); c.646+7299A>G (NM_001258392.3); short protein forms T227A, T182A.
Identifiers: ClinVar variation 3632721 (VCV003632721.2).

ClinVar aggregate classification (germline): Uncertain significance (1 of 4 stars; one submission).

Conditions:
3-methylglutaconic aciduria, type VIIB (MGCA7B). Also called: 3-methylglutaconic aciduria, type VII, with cataracts, neurologic involvement and neutropenia; CLPB Deficiency; 3-methylglutaconic aciduria with cataracts, neurologic involvement and neutropenia. Identifiers: Orphanet 445038, MedGen C5676893, MONDO:0014561, OMIM 616271.

Submission:

Labcorp Genetics (formerly Invitae), Labcorp
Classification: Uncertain significance for 3-methylglutaconic aciduria, type VIIB. Last evaluated: 2025-08-27. Review status: criteria provided, single submitter. Criteria: Invitae Variant Classification Sherloc (09022015). Collection method: clinical testing. Allele origin: germline.
Comment: This sequence change replaces threonine, which is neutral and polar, with alanine, which is neutral and non-polar, at codon 227 of the CLPB protein (p.Thr227Ala). This variant is not present in population databases (gnomAD no frequency). This variant has not been reported in the literature in individuals affected with CLPB-related conditions. ClinVar contains an entry for this variant (Variation ID: 3632721). An algorithm developed to predict the effect of missense changes on protein structure and function (PolyPhen-2) suggests that this variant is likely to be tolerated. In summary, the available evidence is currently insufficient to determine the role of this variant in disease. Therefore, it has been classified as a Variant of Uncertain Significance.